The following is an entry in ClinVar:

ClinVar aggregate classification (germline): Likely pathogenic (1 of 4 stars; one submission).

Conditions:
Short stature and advanced bone age, with or without early-onset osteoarthritis and/or osteochondritis dissecans (SSOAOD). Identifiers: Orphanet 251262, MedGen C3665488, MONDO:0100462, OMIM 165800.

gnomAD v4.1: 1 of 1,594,484 alleles (0.000063%); highest among the groups gnomAD compares: Non-Finnish European, 0.000085%; no homozygotes.

Submission:

MVZ Medizinische Genetik Mainz
Classification: Likely pathogenic for Short stature and advanced bone age, with or without early-onset osteoarthritis and/or osteochondritis dissecans. Last evaluated: 2024-11-04. Review status: criteria provided, single submitter. Criteria: UK Practice Guidelines For Variant Classification V4 01 2020. Collection method: clinical testing. Allele origin: germline. Inheritance: Autosomal dominant inheritance. Affected: yes. Observed: 1 variant allele.
Comment: ACMG Criteria: PVS1,PM2_SUP

NM_001369268.1(ACAN):c.2266+1G>T

Gene: ACAN (aggrecan; plus strand). Cytogenetic location: 15q26.1.
Variant type: single nucleotide variant.
Coding change: c.2266+1G>T on transcript NM_001369268.1 (MANE Select); the canonical splice donor site of the intron after coding-DNA position 2266, G replaced by T.
Molecular consequence: splice donor variant.
Genome position (GRCh38, 1-based): chr15:88,852,034, G>T. VCF-style: chr15-88852034-G-T. GRCh37 (hg19) VCF-style: chr15-89395265-G-T.
Other names: c.2266+1G>T (NM_013227.4, NM_001411097.1, NM_001411096.1 and 1 more transcripts).
Identifiers: ClinVar variation 3383218 (VCV003383218.1).